The following is an entry in ClinVar:

NM_020529.3(NFKBIA):c.560T>C (p.Leu187Pro)

Gene: NFKBIA (NFKB inhibitor alpha; minus strand). Cytogenetic location: 14q13.2.
Variant type: single nucleotide variant.
Coding change: c.560T>C on transcript NM_020529.3 (MANE Select); coding-DNA position 560, T replaced by C.
Protein change: p.Leu187Pro; replaces leucine 187 with proline.
Molecular consequence: missense variant.
Genome position (GRCh38, 1-based): chr14:35,402,847, A>G on the plus strand (T>C on the coding strand, the complement: NFKBIA is on the minus strand). VCF-style: chr14-35402847-A-G. GRCh37 (hg19) VCF-style: chr14-35872053-A-G.
Other names: short protein forms L187P.
Identifiers: ClinVar variation 1170963 (VCV001170963.3), dbSNP rs2138831226, ClinGen allele CA389452603.

ClinVar aggregate classification (germline): Likely benign (0 of 4 stars; one submission).

Conditions:
Prostate cancer. Also called: Malignant tumor of prostate. Identifiers: Orphanet 1331, MedGen C0376358, MONDO:0008315, HP:0012125.

Submission:

Lotan Lab, Johns Hopkins University
Classification: Likely benign for Prostate cancer. Review status: no assertion criteria provided. Collection method: research. Allele origin: somatic. Inheritance: Somatic mutation. Affected: yes.
Comment: NFKBIA encodes IÎºBÎ±, which binds and inhibits nuclear localization and transcriptional activity of the NF-ÎºB complex, and its inactivation leads to constitutive NF-ÎºB activity. However, immunohistochemistry for the NF-ÎºB subunit p65 did not show enhanced nuclear localization of p65 in this tumor sample compared with the pre-treatment tumor sample (that did not exhibit this variant), indicating that this missense change was probably not inactivating.